The following is an entry in ClinVar:

ClinVar aggregate classification (germline): Uncertain significance (1 of 4 stars; one submission).

Submission:

Labcorp Genetics (formerly Invitae), Labcorp
Classification: Uncertain significance. Last evaluated: 2024-03-01. Review status: criteria provided, single submitter. Criteria: Invitae Variant Classification Sherloc (09022015). Collection method: clinical testing. Allele origin: germline.
Comment: This sequence change replaces threonine, which is neutral and polar, with isoleucine, which is neutral and non-polar, at codon 1393 of the TET2 protein (p.Thr1393Ile). This variant is not present in population databases (gnomAD no frequency). This variant has not been reported in the literature in individuals affected with TET2-related conditions. An algorithm developed to predict the effect of missense changes on protein structure and function (PolyPhen-2) suggests that this variant is likely to be disruptive. In summary, the available evidence is currently insufficient to determine the role of this variant in disease. Therefore, it has been classified as a Variant of Uncertain Significance.

NM_001127208.3(TET2):c.4178C>T (p.Thr1393Ile)

Genes: TET2 (tet methylcytosine dioxygenase 2; plus strand), TET2-AS1 (TET2 antisense RNA 1; minus strand). Cytogenetic location: 4q24.
Variant type: single nucleotide variant.
Coding change: c.4178C>T on transcript NM_001127208.3 (MANE Select); coding-DNA position 4178, C replaced by T.
Protein change: p.Thr1393Ile; replaces threonine 1393 with isoleucine.
Molecular consequence: missense variant.
Genome position (GRCh38, 1-based): chr4:105,269,743, C>T. VCF-style: chr4-105269743-C-T. GRCh37 (hg19) VCF-style: chr4-106190900-C-T.
Other names: short protein forms T1393I.
Identifiers: ClinVar variation 3628737 (VCV003628737.1).